The following is an entry in ClinVar:

NM_004260.4(RECQL4):c.1210T>C (p.Phe404Leu)

Gene: RECQL4 (RecQ like helicase 4; minus strand). Cytogenetic location: 8q24.3.
Variant type: single nucleotide variant.
Coding change: c.1210T>C on transcript NM_004260.4 (MANE Select); coding-DNA position 1210, T replaced by C.
Protein change: p.Phe404Leu; replaces phenylalanine 404 with leucine.
Molecular consequence: missense variant.
Genome position (GRCh38, 1-based): chr8:144,515,812, A>G on the plus strand (T>C on the coding strand, the complement: RECQL4 is on the minus strand). VCF-style: chr8-144515812-A-G. GRCh37 (hg19) VCF-style: chr8-145741196-A-G.
Other names: short protein forms F404L.
Identifiers: ClinVar variation 851485 (VCV000851485.5), dbSNP rs1828082019, ClinGen allele CA372687489.

ClinVar aggregate classification (germline): Uncertain significance (1 of 4 stars; one submission).

Conditions:
Baller-Gerold syndrome (BGS). Also called: CRANIOSYNOSTOSIS WITH RADIAL DEFECTS. Identifiers: Orphanet 1225, MedGen C0265308, MONDO:0009039, OMIM 218600.

Submission:

Labcorp Genetics (formerly Invitae), Labcorp
Classification: Uncertain significance for Baller-Gerold syndrome. Last evaluated: 2019-12-15. Review status: criteria provided, single submitter. Criteria: Invitae Variant Classification Sherloc (09022015). Collection method: clinical testing. Allele origin: germline.
Comment: In summary, the available evidence is currently insufficient to determine the role of this variant in disease. Therefore, it has been classified as a Variant of Uncertain Significance. Algorithms developed to predict the effect of missense changes on protein structure and function are either unavailable or do not agree on the potential impact of this missense change (SIFT: "Tolerated"; PolyPhen-2: Not Available; Align-GVGD: "Class C0"). This variant has not been reported in the literature in individuals with RECQL4-related conditions. This variant is not present in population databases (ExAC no frequency). This sequence change replaces phenylalanine with leucine at codon 404 of the RECQL4 protein (p.Phe404Leu). The phenylalanine residue is highly conserved and there is a small physicochemical difference between phenylalanine and leucine.